The following is an entry in ClinVar:

NM_002049.4(GATA1):c.80C>T (p.Thr27Ile)

Gene: GATA1 (GATA binding protein 1; plus strand). Cytogenetic location: Xp11.23.
Variant type: single nucleotide variant.
Coding change: c.80C>T on transcript NM_002049.4 (MANE Select); coding-DNA position 80, C replaced by T.
Protein change: p.Thr27Ile; replaces threonine 27 with isoleucine.
Molecular consequence: missense variant.
Genome position (GRCh38, 1-based): chrX:48,791,189, C>T. VCF-style: chrX-48791189-C-T. GRCh37 (hg19) VCF-style: chrX-48649596-C-T.
Other names: short protein forms T27I.
Identifiers: ClinVar variation 1925952 (VCV001925952.5), dbSNP rs2519343669, ClinGen allele CA412866847.

ClinVar aggregate classification (germline): Uncertain significance (1 of 4 stars; one submission).

Conditions:
Diamond-Blackfan anemia. Also called: Blackfan Diamond syndrome; Aregenerative anemia chronic congenital; Red cell aplasia, pure hereditary; Congenital hypoplastic anemia; Aase syndrome. Identifiers: Orphanet 124, MedGen C1260899, MeSH D029503, MONDO:0015253, HP:0004810.
GATA binding protein 1 related thrombocytopenia with dyserythropoiesis. Also called: GATA1-Related X-Linked Cytopenia; GATA1-Related Cytopenia. Identifiers: MedGen C1845837, MONDO:0100089.

Submission:

Labcorp Genetics (formerly Invitae), Labcorp
Classification: Uncertain significance for GATA binding protein 1 related thrombocytopenia with dyserythropoiesis; Diamond-Blackfan anemia. Last evaluated: 2022-08-12. Review status: criteria provided, single submitter. Criteria: Invitae Variant Classification Sherloc (09022015). Collection method: clinical testing. Allele origin: germline.
Comment: In summary, the available evidence is currently insufficient to determine the role of this variant in disease. Therefore, it has been classified as a Variant of Uncertain Significance. Algorithms developed to predict the effect of missense changes on protein structure and function (SIFT, PolyPhen-2, Align-GVGD) all suggest that this variant is likely to be tolerated. This variant has not been reported in the literature in individuals affected with GATA1-related conditions. This variant is not present in population databases (gnomAD no frequency). This sequence change replaces threonine, which is neutral and polar, with isoleucine, which is neutral and non-polar, at codon 27 of the GATA1 protein (p.Thr27Ile).